The following is an entry in ClinVar:

NM_002972.4(SBF1):c.1661G>A (p.Gly554Glu)

Gene: SBF1 (SET binding factor 1; minus strand). Cytogenetic location: 22q13.33.
Variant type: single nucleotide variant.
Coding change: c.1661G>A on transcript NM_002972.4 (MANE Select); coding-DNA position 1661, G replaced by A.
Protein change: p.Gly554Glu; replaces glycine 554 with glutamic acid.
Molecular consequence: missense variant.
Genome position (GRCh38, 1-based): chr22:50,464,417, C>T on the plus strand (G>A on the coding strand, the complement: SBF1 is on the minus strand). VCF-style: chr22-50464417-C-T. GRCh37 (hg19) VCF-style: chr22-50902846-C-T.
Other names: c.1664G>A, p.Gly555Glu (NM_001365819.1, NM_001410794.1); c.1661G>A, p.Gly554Glu (NM_001410795.1, NM_197971.1); short protein forms G554E, G555E.
Identifiers: ClinVar variation 2653391 (VCV002653391.24), dbSNP rs2067658192, ClinGen allele CA412217323.

ClinVar aggregate classification (germline): Uncertain significance (1 of 4 stars; one submission).

Allele frequency attached by ClinVar (database versions not stated): gnomAD exomes below 0.00001.
gnomAD v4.1: 4 of 1,614,002 alleles (0.00025%); highest among the groups gnomAD compares: South Asian, 0.0022%; no homozygotes.

Submission:

CeGaT Center for Human Genetics Tuebingen
Classification: Uncertain significance. Last evaluated: 2022-07-01. Review status: criteria provided, single submitter. Criteria: CeGaT Center For Human Genetics Tuebingen Variant Classification Criteria Version 2. Collection method: clinical testing. Allele origin: germline. Affected: yes. Observed: 1 variant allele.
Comment: SBF1: PM2, BP4